The following is an entry in ClinVar:

NM_006035.4(CDC42BPB):c.1110C>T (p.Phe370=)

Gene: CDC42BPB (CDC42 binding protein kinase beta; minus strand). Cytogenetic location: 14q32.32.
Variant type: single nucleotide variant.
Coding change: c.1110C>T on transcript NM_006035.4 (MANE Select); coding-DNA position 1110, C replaced by T.
Protein change: p.Phe370=; no amino-acid change (phenylalanine 370 retained).
Molecular consequence: synonymous variant.
Genome position (GRCh38, 1-based): chr14:102,980,803, G>A on the plus strand (C>T on the coding strand, the complement: CDC42BPB is on the minus strand). VCF-style: chr14-102980803-G-A. GRCh37 (hg19) VCF-style: chr14-103447140-G-A.
Other names: c.1110C>T, p.Phe370= (NM_001411054.1).
Identifiers: ClinVar variation 4821212 (VCV004821212.4).

ClinVar aggregate classification (germline): Likely benign (1 of 4 stars; one submission).

gnomAD v4.1: 526 of 1,614,142 alleles (0.033%); highest among the groups gnomAD compares: Admixed American, 0.67%; 2 homozygotes.

Submission:

CeGaT Center for Human Genetics Tuebingen
Classification: Likely benign. Last evaluated: 2026-09-01. Review status: criteria provided, single submitter. Criteria: CeGaT Center For Human Genetics Tuebingen Variant Classification Criteria Version 2. Collection method: clinical testing. Allele origin: germline. Affected: yes. Observed: 4 variant alleles.
Comment: CDC42BPB: BP4, BP7